The following is an entry in ClinVar:

ClinVar aggregate classification (germline): Likely benign. Review status: criteria provided, multiple submitters, no conflicts (2 of 4 stars). 3 submissions from 3 submitters: Likely benign (3). Last evaluated 2025-05-20.

Conditions:
Nemaline myopathy 2 (NEM2). Also called: Nemaline myopathy 2, autosomal recessive. Identifiers: MedGen C1850569, MONDO:0009725, OMIM 256030.
NEB-related disorder. Also called: NEB-related condition; NEB-Related Disorders.

Allele frequency attached by ClinVar (database versions not stated): TOPMed below 0.00001; gnomAD exomes 0.00001.
gnomAD v4.1: 17 of 1,613,966 alleles (0.0011%); highest among the groups gnomAD compares: Middle Eastern, 0.016%; no homozygotes.

Submissions (3):

PreventionGenetics, part of Exact Sciences
Classification: Likely benign for NEB-related condition. Last evaluated: 2025-05-20. Review status: criteria provided, single submitter. Criteria: ACMG Guidelines, 2015. Collection method: clinical testing. Allele origin: germline.
Comment: This variant is classified as likely benign based on ACMG/AMP sequence variant interpretation guidelines (Richards et al. 2015 PMID: 25741868, with internal and published modifications).

Labcorp Genetics (formerly Invitae), Labcorp
Classification: Likely benign for Nemaline myopathy 2. Last evaluated: 2024-01-15. Review status: criteria provided, single submitter. Criteria: Invitae Variant Classification Sherloc (09022015). Collection method: clinical testing. Allele origin: germline.

CeGaT Center for Human Genetics Tuebingen
Classification: Likely benign. Last evaluated: 2023-01-01. Review status: criteria provided, single submitter. Criteria: CeGaT Center For Human Genetics Tuebingen Variant Classification Criteria Version 2. Collection method: clinical testing. Allele origin: germline. Affected: yes. Observed: 1 variant allele.
Comment: NEB: BP4, BP7

NM_001164508.2(NEB):c.7872C>T (p.Tyr2624=)

Gene: NEB (nebulin; minus strand). Cytogenetic location: 2q23.3.
Variant type: single nucleotide variant.
Coding change: c.7872C>T on transcript NM_001164508.2 (MANE Select); coding-DNA position 7872, C replaced by T.
Protein change: p.Tyr2624=; no amino-acid change (tyrosine 2624 retained).
Molecular consequence: synonymous variant.
Genome position (GRCh38, 1-based): chr2:151,643,902, G>A on the plus strand (C>T on the coding strand, the complement: NEB is on the minus strand). VCF-style: chr2-151643902-G-A. GRCh37 (hg19) VCF-style: chr2-152500416-G-A.
Other names: c.7872C>T, p.Tyr2624= (NM_001164507.2, NM_001271208.2, NM_004543.5).
Identifiers: ClinVar variation 2176962 (VCV002176962.29), dbSNP rs1183374056, ClinGen allele CA429231443.